The following is an entry in ClinVar:

NM_000937.5(POLR2A):c.808G>A (p.Ala270Thr)

Gene: POLR2A (RNA polymerase II subunit A; plus strand). Cytogenetic location: 17p13.1.
Variant type: single nucleotide variant.
Coding change: c.808G>A on transcript NM_000937.5 (MANE Select); coding-DNA position 808, G replaced by A.
Protein change: p.Ala270Thr; replaces alanine 270 with threonine.
Molecular consequence: missense variant.
Genome position (GRCh38, 1-based): chr17:7,497,034, G>A. VCF-style: chr17-7497034-G-A. GRCh37 (hg19) VCF-style: chr17-7400353-G-A.
Other names: short protein forms A270T.
Identifiers: ClinVar variation 2217946 (VCV002217946.3), dbSNP rs377745426, ClinGen allele CA8349262.

ClinVar aggregate classification (germline): Conflicting classifications of pathogenicity. Review status: criteria provided, conflicting classifications (1 of 4 stars). 2 submissions from 2 submitters: Uncertain significance (1); Likely benign (1). Last evaluated 2024-09-20.

Conditions:
Inborn genetic diseases. Identifiers: MedGen C0950123, MeSH D030342.
Neurodevelopmental disorder with hypotonia and variable intellectual and behavioral abnormalities. Identifiers: MedGen C5231423, MONDO:0032829, OMIM 618603.

Allele frequency attached by ClinVar (database versions not stated): ExAC 0.00001; TOPMed 0.00001; ESP Exome Variant Server 0.00008.

Submissions (2):

3billion
Classification: Likely benign for Neurodevelopmental disorder with hypotonia and variable intellectual and behavioral abnormalities. Last evaluated: 2024-09-20. Review status: criteria provided, single submitter. Criteria: ACMG Guidelines, 2015. Collection method: clinical testing. Allele origin: germline. Affected: no.
Comment: The variant was identified in at least one patient who was diagnosed with a different variant in another gene and showed no symptoms related to the gene containing the variant in question.

Ambry Genetics
Classification: Uncertain significance for Inborn genetic diseases. Last evaluated: 2021-07-19. Review status: criteria provided, single submitter. Criteria: Ambry Variant Classification Scheme 2023. Collection method: clinical testing. Allele origin: germline.